The following is an entry in ClinVar:

ClinVar aggregate classification (germline): Uncertain significance (1 of 4 stars; one submission).

Submission:

Labcorp Genetics (formerly Invitae), Labcorp
Classification: Uncertain significance. Last evaluated: 2022-08-05. Review status: criteria provided, single submitter. Criteria: Invitae Variant Classification Sherloc (09022015). Collection method: clinical testing. Allele origin: germline.
Comment: In summary, the available evidence is currently insufficient to determine the role of this variant in disease. Therefore, it has been classified as a Variant of Uncertain Significance. Advanced modeling of protein sequence and biophysical properties (such as structural, functional, and spatial information, amino acid conservation, physicochemical variation, residue mobility, and thermodynamic stability) performed at Invitae indicates that this missense variant is not expected to disrupt COL9A1 protein function. This variant has not been reported in the literature in individuals affected with COL9A1-related conditions. This variant is not present in population databases (gnomAD no frequency). This sequence change replaces valine, which is neutral and non-polar, with isoleucine, which is neutral and non-polar, at codon 668 of the COL9A1 protein (p.Val668Ile).

NM_001851.6(COL9A1):c.2002G>A (p.Val668Ile)

Gene: COL9A1 (collagen type IX alpha 1 chain; minus strand). Cytogenetic location: 6q13.
Variant type: single nucleotide variant.
Coding change: c.2002G>A on transcript NM_001851.6 (MANE Select); coding-DNA position 2002, G replaced by A.
Protein change: p.Val668Ile; replaces valine 668 with isoleucine.
Molecular consequence: missense variant. On other transcripts: non-coding transcript variant (1).
Genome position (GRCh38, 1-based): chr6:70,241,451, C>T on the plus strand (G>A on the coding strand, the complement: COL9A1 is on the minus strand). VCF-style: chr6-70241451-C-T. GRCh37 (hg19) VCF-style: chr6-70951154-C-T.
Other names: c.1303G>A, p.Val435Ile (NM_001377289.1); c.1273G>A, p.Val425Ile (NM_001377290.1, NM_078485.4); short protein forms V425I, V435I, V668I.
Identifiers: ClinVar variation 1944114 (VCV001944114.5), dbSNP rs755415849, ClinGen allele CA364675172.